The following is an entry in ClinVar:

ClinVar aggregate classification (germline): Conflicting classifications of pathogenicity. Review status: criteria provided, conflicting classifications (1 of 4 stars). 2 submissions from 2 submitters: Uncertain significance (1); Likely benign (1). Last evaluated 2026-02-20.

Conditions:
Intestinal hypomagnesemia 1. Also called: HYPOMAGNESEMIA, INTESTINAL, WITH SECONDARY HYPOCALCEMIA; HYPOMAGNESEMIC TETANY. Identifiers: Orphanet 30924, MedGen C1865974, MONDO:0011176, OMIM 602014.

Allele frequency attached by ClinVar (database versions not stated): gnomAD exomes 0.00001; ExAC 0.00002; TOPMed 0.00002; gnomAD 0.00003; 1000 Genomes Project 0.00020; 1000 Genomes Project 30x 0.00031.
gnomAD v4.1: 26 of 1,613,262 alleles (0.0016%); highest among the groups gnomAD compares: Middle Eastern, 0.033%; no homozygotes.

Submissions (2):

Centre for Medical Genetics,  Mumbai
Classification: Likely benign for Intestinal hypomagnesemia 1. Last evaluated: 2026-02-20. Review status: criteria provided, single submitter. Criteria: ACMG Guidelines, 2015. Collection method: provider interpretation. Allele origin: germline. Inheritance: Autosomal recessive inheritance. Affected: no. Observed: 1 homozygote.
Comment: The variant satisfies PM2 criteria; Extremely low frequency in gnomAD population databases. However, the variant satisfies BS2 criteria.

Labcorp Genetics (formerly Invitae), Labcorp
Classification: Uncertain significance. Last evaluated: 2022-10-17. Review status: criteria provided, single submitter. Criteria: Invitae Variant Classification Sherloc (09022015). Collection method: clinical testing. Allele origin: germline.
Comment: This sequence change replaces threonine, which is neutral and polar, with methionine, which is neutral and non-polar, at codon 97 of the TRPM6 protein (p.Thr97Met). This variant is present in population databases (rs570794624, gnomAD 0.01%). This variant has not been reported in the literature in individuals affected with TRPM6-related conditions. Algorithms developed to predict the effect of missense changes on protein structure and function are either unavailable or do not agree on the potential impact of this missense change (SIFT: "Deleterious"; PolyPhen-2: "Possibly Damaging"; Align-GVGD: "Class C0"). In summary, the available evidence is currently insufficient to determine the role of this variant in disease. Therefore, it has been classified as a Variant of Uncertain Significance.

Literature cited by the submitters: PubMed 12032568 (cited by Centre for Medical Genetics,  Mumbai).

NM_017662.5(TRPM6):c.290C>T (p.Thr97Met)

Gene: TRPM6 (transient receptor potential cation channel subfamily M member 6; minus strand). Cytogenetic location: 9q21.13.
Variant type: single nucleotide variant.
Coding change: c.290C>T on transcript NM_017662.5 (MANE Select); coding-DNA position 290, C replaced by T.
Protein change: p.Thr97Met; replaces threonine 97 with methionine.
Molecular consequence: missense variant.
Genome position (GRCh38, 1-based): chr9:74,842,206, G>A on the plus strand (C>T on the coding strand, the complement: TRPM6 is on the minus strand). VCF-style: chr9-74842206-G-A. GRCh37 (hg19) VCF-style: chr9-77457122-G-A.
Other names: c.275C>T, p.Thr92Met (NM_001177310.2, NM_001177311.2); short protein forms T92M, T97M.
Identifiers: ClinVar variation 2061169 (VCV002061169.2), dbSNP rs570794624, ClinGen allele CA5085174.
Genomic context (GRCh38, chr9:74,842,206, plus strand): 5'-AATTTGGGTTATTAGCAAACCTTGGCATGATGGGTGTGCTCTCCATCTTGGAAATTAATC[G>A]TGCCAAAAGTATCTGTTGGGCTTTTCGTTGTGTGCTTTTCAACAGACCATTGTTCACTTT-3'
Protein context (NP_060132.3, residues 87-107): TTKSPTDTFG[Thr97Met]INFQDGEHTH